The following is an entry in ClinVar:

NM_172107.4(KCNQ2):c.244T>A (p.Tyr82Asn)

Gene: KCNQ2 (potassium voltage-gated channel subfamily Q member 2; minus strand). Cytogenetic location: 20q13.33.
Variant type: single nucleotide variant.
Coding change: c.244T>A on transcript NM_172107.4 (MANE Select); coding-DNA position 244, T replaced by A.
Protein change: p.Tyr82Asn; replaces tyrosine 82 with asparagine.
Molecular consequence: missense variant.
Genome position (GRCh38, 1-based): chr20:63,472,220, A>T on the plus strand (T>A on the coding strand, the complement: KCNQ2 is on the minus strand). VCF-style: chr20-63472220-A-T. GRCh37 (hg19) VCF-style: chr20-62103573-A-T.
Other names: c.244T>A, p.Tyr82Asn (NM_004518.6, NM_172106.3, NM_172108.5 and 1 more transcripts); short protein forms Y82N.
Identifiers: ClinVar variation 649095 (VCV000649095.9), dbSNP rs1600885336, ClinGen allele CA409635086.

ClinVar aggregate classification (germline): Uncertain significance (1 of 4 stars; one submission).

Conditions:
Early-infantile DEE. Also called: Early infantile epileptic encephalopathy with suppression bursts; Early infantile epileptic encephalopathy; Ohtahara syndrome. Identifiers: Orphanet 1934, MedGen C0393706, MONDO:0800491.

Submission:

Labcorp Genetics (formerly Invitae), Labcorp
Classification: Uncertain significance for Early-infantile DEE. Last evaluated: 2018-11-13. Review status: criteria provided, single submitter. Criteria: Invitae Variant Classification Sherloc (09022015). Collection method: clinical testing. Allele origin: germline.
Comment: In summary, the available evidence is currently insufficient to determine the role of this variant in disease. Therefore, it has been classified as a Variant of Uncertain Significance. Algorithms developed to predict the effect of missense changes on protein structure and function are either unavailable or do not agree on the potential impact of this missense change (SIFT: "Deleterious"; PolyPhen-2: "Probably Damaging"; Align-GVGD: "Class C0"). This variant has not been reported in the literature in individuals with KCNQ2-related disease. The frequency data for this variant in the population databases is considered unreliable, as metrics indicate insufficient coverage at this position in the ExAC database. This sequence change replaces tyrosine with asparagine at codon 82 of the KCNQ2 protein (p.Tyr82Asn). The tyrosine residue is moderately conserved and there is a large physicochemical difference between tyrosine and asparagine.